The following is an entry in ClinVar:

ClinVar aggregate classification (germline): Uncertain significance (1 of 4 stars; one submission).

Submissions (2):

Labcorp Genetics (formerly Invitae), Labcorp
Classification: Uncertain significance. Last evaluated: 2024-08-13. Review status: criteria provided, single submitter. Criteria: Invitae Variant Classification Sherloc (09022015). Collection method: clinical testing. Allele origin: germline.
Comment: This sequence change falls in intron 9 of the MAGED2 gene. It does not directly change the encoded amino acid sequence of the MAGED2 protein. It affects a nucleotide within the consensus splice site. This variant is present in population databases (rs761991292, gnomAD 0.02%). This variant has not been reported in the literature in individuals affected with MAGED2-related conditions. Variants that disrupt the consensus splice site are a relatively common cause of aberrant splicing (PMID: 17576681, 9536098). Algorithms developed to predict the effect of sequence changes on RNA splicing suggest that this variant is not likely to affect RNA splicing. In summary, the available evidence is currently insufficient to determine the role of this variant in disease. Therefore, it has been classified as a Variant of Uncertain Significance.

Dr. Peter K. Rogan Lab, Western University
No classification provided (evidence only). Condition: Nonpapillary renal cell carcinoma. Review status: no classification provided. Collection method: in vitro. Allele origin: not applicable. Functional consequence: retained intron. Not counted in ClinVar's aggregate classification.

Literature cited by the submitters: PubMed 17576681 (cited by Labcorp Genetics (formerly Invitae), Labcorp); PubMed 9536098 (cited by Labcorp Genetics (formerly Invitae), Labcorp).

NM_177433.3(MAGED2):c.1209-3C>T

Gene: MAGED2 (MAGE family member D2; plus strand). Cytogenetic location: Xp11.21.
Variant type: single nucleotide variant.
Coding change: c.1209-3C>T on transcript NM_177433.3 (MANE Select); 3 bases into the intron before coding-DNA position 1209, C replaced by T.
Molecular consequence: intron variant.
Genome position (GRCh38, 1-based): chrX:54,813,485, C>T. VCF-style: chrX-54813485-C-T. GRCh37 (hg19) VCF-style: chrX-54839918-C-T.
Other names: c.1209-3C>T (NM_014599.6, NM_201222.3).
Identifiers: ClinVar variation 3694342 (VCV003694342.3).